The following is an entry in ClinVar:

NM_006231.4(POLE):c.1334G>A (p.Cys445Tyr)

Gene: POLE (DNA polymerase epsilon, catalytic subunit; minus strand). Cytogenetic location: 12q24.33.
Variant type: single nucleotide variant.
Coding change: c.1334G>A on transcript NM_006231.4 (MANE Select); coding-DNA position 1334, G replaced by A.
Protein change: p.Cys445Tyr; replaces cysteine 445 with tyrosine.
Molecular consequence: missense variant.
Genome position (GRCh38, 1-based): chr12:132,673,600, C>T on the plus strand (G>A on the coding strand, the complement: POLE is on the minus strand). VCF-style: chr12-132673600-C-T. GRCh37 (hg19) VCF-style: chr12-133250186-C-T.
Other names: c.1334G>A (NM_006231.2); short protein forms C445Y.
Identifiers: ClinVar variation 950924 (VCV000950924.11), dbSNP rs995479413, ClinGen allele CA387359209.

ClinVar aggregate classification (germline): Uncertain significance. Review status: criteria provided, multiple submitters, no conflicts (2 of 4 stars). 2 submissions from 2 submitters: Uncertain significance (2). Last evaluated 2025-09-30.

Conditions:
Hereditary cancer-predisposing syndrome. Also called: Tumor predisposition; Hereditary neoplastic syndrome; Neoplastic Syndromes, Hereditary; Hereditary Cancer Syndrome. Identifiers: Orphanet 140162, MedGen C0027672, MeSH D009386, MONDO:0015356.

Allele frequency attached by ClinVar (database versions not stated): gnomAD exomes 0.00001.
gnomAD v4.1: 15 of 1,613,366 alleles (0.00093%); highest among the groups gnomAD compares: Non-Finnish European, 0.0012%; no homozygotes.

Submissions (2):

Labcorp Genetics (formerly Invitae), Labcorp
Classification: Uncertain significance. Last evaluated: 2025-09-30. Review status: criteria provided, single submitter. Criteria: Invitae Variant Classification Sherloc (09022015). Collection method: clinical testing. Allele origin: germline.
Comment: This sequence change replaces cysteine, which is neutral and slightly polar, with tyrosine, which is neutral and polar, at codon 445 of the POLE protein (p.Cys445Tyr). This variant is not present in population databases (gnomAD no frequency). This variant has not been reported in the literature in individuals affected with POLE-related conditions. ClinVar contains an entry for this variant (Variation ID: 950924). Invitae Evidence Modeling of protein sequence and biophysical properties (such as structural, functional, and spatial information, amino acid conservation, physicochemical variation, residue mobility, and thermodynamic stability) indicates that this missense variant is expected to disrupt POLE protein function with a positive predictive value of 80%. In summary, the available evidence is currently insufficient to determine the role of this variant in disease. Therefore, it has been classified as a Variant of Uncertain Significance.

Ambry Genetics
Classification: Uncertain significance for Hereditary cancer-predisposing syndrome. Last evaluated: 2025-06-18. Review status: criteria provided, single submitter. Criteria: Ambry Variant Classification Scheme 2023. Collection method: clinical testing. Allele origin: germline.